The following is an entry in ClinVar:

ClinVar aggregate classification (germline): Likely pathogenic (1 of 4 stars; one submission).

Submission:

Labcorp Genetics (formerly Invitae), Labcorp
Classification: Likely pathogenic. Last evaluated: 2023-09-12. Review status: criteria provided, single submitter. Criteria: Invitae Variant Classification Sherloc (09022015). Collection method: clinical testing. Allele origin: germline.
Comment: ClinVar contains an entry for this variant (Variation ID: 2202934). In summary, the currently available evidence indicates that the variant is pathogenic, but additional data are needed to prove that conclusively. Therefore, this variant has been classified as Likely Pathogenic. Algorithms developed to predict the effect of sequence changes on RNA splicing suggest that this variant may disrupt the consensus splice site. Disruption of this splice site has been observed in individual(s) with Usher syndrome (PMID: 22004887). This variant is not present in population databases (gnomAD no frequency). This sequence change affects an acceptor splice site in intron 69 of the USH2A gene. It is expected to disrupt RNA splicing. Variants that disrupt the donor or acceptor splice site typically lead to a loss of protein function (PMID: 16199547), and loss-of-function variants in USH2A are known to be pathogenic (PMID: 10729113, 10909849, 20507924, 25649381).

Literature cited by the submitters: PubMed 22004887; PubMed 16199547; PubMed 10729113; PubMed 10909849; PubMed 20507924; PubMed 25649381.

NM_206933.4(USH2A):c.15053-1G>A

Gene: USH2A (usherin; minus strand). Cytogenetic location: 1q41.
Variant type: single nucleotide variant.
Coding change: c.15053-1G>A on transcript NM_206933.4 (MANE Select); the canonical splice acceptor site of the intron before coding-DNA position 15053, G replaced by A.
Molecular consequence: splice acceptor variant.
Genome position (GRCh38, 1-based): chr1:215,634,704, C>T on the plus strand (G>A on the coding strand, the complement: USH2A is on the minus strand). VCF-style: chr1-215634704-C-T. GRCh37 (hg19) VCF-style: chr1-215808046-C-T.
Identifiers: ClinVar variation 2202934 (VCV002202934.4), dbSNP rs2464772765, ClinGen allele CA344824993.
Genomic context (GRCh38, chr1:215,634,704, plus strand): 5'-AGAACTCTGTGCTTTTGCTCCGCGATCCCTTCTTTTTCCCAGGAGTTGTTAGGACCAAGC[C>T]TGCAAAACCCAGAGAAAGAAAGGGGAAATGTTATTTCAGAAAGCATTTTTGTCATCTCTG-3'